The following is an entry in ClinVar:

ClinVar aggregate classification (germline): Pathogenic. Review status: criteria provided, multiple submitters, no conflicts (2 of 4 stars). 8 submissions from 8 submitters: Pathogenic (8). Last evaluated 2022-12-02.

Conditions:
Generalized epilepsy with febrile seizures plus, type 2 (GEFSP2). Also called: GEFS+, TYPE 2. Identifiers: Orphanet 36387, MedGen C1858673, MONDO:0011461, OMIM 604403.
Severe myoclonic epilepsy in infancy (DRVT). Also called: SEVERE MYOCLONIC EPILEPSY OF INFANCY; DEVELOPMENTAL AND EPILEPTIC ENCEPHALOPATHY 6A; Severe Myoclonic Epilepsy in Infancy (SMEI); Dravet syndrome; Epileptic encephalopathy, early infantile, 6 (Dravet syndrome). Identifiers: Orphanet 33069, MedGen C0751122, MONDO:0100135, OMIM 607208.
Developmental and epileptic encephalopathy 6B. Also called: Developmental and epileptic encephalopathy 6B, non-Dravet. Identifiers: MedGen C5543353, MONDO:0030268, OMIM 619317.
Early-infantile DEE. Also called: Ohtahara syndrome; Early infantile epileptic encephalopathy with suppression bursts; Early infantile epileptic encephalopathy. Identifiers: Orphanet 1934, MedGen C0393706, MONDO:0800491.

Submissions (8):

Labcorp Genetics (formerly Invitae), Labcorp
Classification: Pathogenic for Early-infantile DEE. Last evaluated: 2022-12-02. Review status: criteria provided, single submitter. Criteria: Invitae Variant Classification Sherloc (09022015). Collection method: clinical testing. Allele origin: germline.
Comment: For these reasons, this variant has been classified as Pathogenic. This variant disrupts a region of the SCN1A protein in which other variant(s) (p.Arg1886*) have been determined to be pathogenic (PMID: 17054684, 18930999; Invitae). This suggests that this is a clinically significant region of the protein, and that variants that disrupt it are likely to be disease-causing. ClinVar contains an entry for this variant (Variation ID: 189870). This premature translational stop signal has been observed in individual(s) with Dravet syndrome (PMID: 21248271, 21868258, 28202706). In at least one individual the variant was observed to be de novo. This variant is not present in population databases (gnomAD no frequency). This sequence change creates a premature translational stop signal (p.Arg1636*) in the SCN1A gene. While this is not anticipated to result in nonsense mediated decay, it is expected to disrupt the last 374 amino acid(s) of the SCN1A protein.

GeneDx
Classification: Pathogenic. Last evaluated: 2022-02-25. Review status: criteria provided, single submitter. Criteria: GeneDx Variant Classification Process June 2021. Collection method: clinical testing. Allele origin: germline. Affected: yes.
Comment: Reported as pathogenic in ClinVar but additional evidence is not available (ClinVar Variant ID#: 189870; ClinVar); Not observed in large population cohorts (gnomAD); Nonsense variant in the C-terminus predicted to result in protein truncation, as the last 374 amino acids are lost, and other loss-of-function variants have been reported downstream in the Human Gene Mutation Database (HGMD); This variant is associated with the following publications: (PMID: 26467025, 21248271, 28202706, 21868258, 30034362, 32090326, 33278787, 31031587, 29655203, 34163418)

CeGaT Center for Human Genetics Tuebingen
Classification: Pathogenic. Last evaluated: 2021-04-01. Review status: criteria provided, single submitter. Criteria: CeGaT Center For Human Genetics Tuebingen Variant Classification Criteria Version 2. Collection method: clinical testing. Allele origin: germline. Affected: yes. Observed: 2 variant alleles.

Unidad de Genómica Garrahan, Hospital de Pediatría Garrahan
Classification: Pathogenic for Severe myoclonic epilepsy in infancy. Last evaluated: 2021-01-01. Review status: criteria provided, single submitter. Criteria: ACMG Guidelines, 2015. Collection method: clinical testing. Allele origin: de novo. Affected: yes. Observed: 1 variant allele.

Eurofins Ntd Llc (ga)
Classification: Pathogenic. Last evaluated: 2015-11-06. Review status: criteria provided, single submitter. Criteria: EGL Classification Definitions 2015. Collection method: clinical testing. Allele origin: germline. Observed: 2 variant alleles, 2 heterozygotes.

Center for Bioinformatics, Peking University
Classification: Pathogenic for Dravet syndrome. Last evaluated: 2014-12-20. Review status: criteria provided, single submitter. Criteria: Xu et al. (Hum Mutat. 2015). Collection method: research. Allele origin: de novo. Affected: yes. Observed: 1 variant allele. Study: University Clinical Cooperation “985 Project” PKU-2014-1-1.
Comment: Dravet syndrome (DS) probands were recruited from the outpatient and inpatient child neurology units of Peking University First Hospital from 2005 till present. The study was approved by the Ethics Committee of Peking University First Hospital and the Institutional Review Board at Peking University. Participants or their parents provided written informed consent before enrollment. We collected a total of 267 mutations from 255 families with probands diagnosed with DS in China. All probands fulfilled the clinical diagnostic criteria.

Athena Diagnostics
Classification: Pathogenic for Severe myoclonic epilepsy in infancy. Last evaluated: 2012-11-13. Review status: criteria provided, single submitter. Criteria: Athena Diagnostics Criteria. Collection method: clinical testing. Allele origin: germline. Inheritance: Autosomal dominant inheritance.

Lifecell International Pvt. Ltd
Classification: Pathogenic for Severe myoclonic epilepsy in infancy; Developmental and epileptic encephalopathy 6B; Generalized epilepsy with febrile seizures plus, type 2. Review status: criteria provided, single submitter. Criteria: ACMG Guidelines, 2015. Collection method: clinical testing. Allele origin: germline. Inheritance: Autosomal dominant inheritance. Affected: yes.
Comment: The stop gained NM_001165963.4 (SCN1A):c.4906C>T (p.Arg1636Ter) has been reported to ClinVar as Pathogenic with a status of (2 stars) criteria provided, multiple submitters, no conflicts (Variation ID 189870 as of 2021-11-04). The p.Arg1636Ter variant is novel (not in any individuals) in gnomAD. The p.Arg1636Ter variant is novel (not in any individuals) in 1kG. This variant is predicted to cause loss of normal protein function through protein truncation. This variant has been previously classified as pathogenic, indicating that the region is critical to protein function. There are 66 downstream pathogenic loss of function variants, with the furthest variant being 297 residues downstream of this variant. This indicates that the region is critical to protein function. The gene SCN1A has a low rate of benign loss of function variants as indicated by a low upper bound of the observed/expected confidence interval 0.07. The p.Arg1636Ter variant is a loss of function variant in the gene SCN1A, which is intolerant of Loss of Function variants, as indicated by the presence of existing pathogenic loss of function variant NP_001159435.1:p.M1I and 513 others. The c.4906C>T variant in SCN1A is predicted conserved by GERP++ and PhyloP and damaging by CADD. This variant has previously been reported for focal epilepsy by Meng-Han Tsai et al., 2018. For these reasons, this variant has been classified as Pathogenic.

Literature cited by the submitters: PubMed 17054684 (cited by Labcorp Genetics (formerly Invitae), Labcorp); PubMed 18930999 (cited by Labcorp Genetics (formerly Invitae), Labcorp); PubMed 21248271 (cited by 3 submitters); PubMed 21868258 (cited by Labcorp Genetics (formerly Invitae), Labcorp and Eurofins Ntd Llc (ga)); PubMed 28202706 (cited by Labcorp Genetics (formerly Invitae), Labcorp); PubMed 36571524 (cited by Unidad de Genómica Garrahan, Hospital de Pediatría Garrahan); DOI 10.1055/s-0044-1786365 (cited by Unidad de Genómica Garrahan, Hospital de Pediatría Garrahan); PubMed 30034362 (cited by Lifecell International Pvt. Ltd).

NM_001165963.4(SCN1A):c.4906C>T (p.Arg1636Ter)

Genes: SCN1A (sodium voltage-gated channel alpha subunit 1; minus strand), LOC102724058 (uncharacterized LOC102724058; plus strand). Cytogenetic location: 2q24.3.
Variant type: single nucleotide variant.
Coding change: c.4906C>T on transcript NM_001165963.4 (MANE Select); coding-DNA position 4906, C replaced by T.
Protein change: p.Arg1636Ter; replaces arginine 1636 with a stop codon.
Molecular consequence: nonsense. On other transcripts: non-coding transcript variant (1).
Genome position (GRCh38, 1-based): chr2:165,992,369, G>A on the plus strand (C>T on the coding strand, the complement: SCN1A is on the minus strand). VCF-style: chr2-165992369-G-A. GRCh37 (hg19) VCF-style: chr2-166848879-G-A.
Other names: p.R1636*:CGA>TGA; NP_001159435.1:p.(Arg1636Ter); c.4822C>T, p.Arg1608Ter (NM_001165964.3, NM_001353957.2, NM_001353958.2); c.4906C>T, p.Arg1636Ter (NM_001202435.3, NM_001353948.2); c.4873C>T, p.Arg1625Ter (NM_001353949.2, NM_001353950.2, NM_001353951.2 and 2 more transcripts); c.4870C>T, p.Arg1624Ter (NM_001353954.2, NM_001353955.2); c.4819C>T, p.Arg1607Ter (NM_001353960.2); c.2464C>T, p.Arg822Ter (NM_001353961.2); short protein forms R1625*, R1636*, R1607*, R1624*, R822*, R1608*.
Identifiers: ClinVar variation 189870 (VCV000189870.60), dbSNP rs199727342, ClinGen allele CA303158.
Genomic context (GRCh38, chr2:165,992,369, plus strand): 5'-TCCCCTTTGCTCCTTTGATCAGACGTAGGATTCGGCCAATCCTAGCAAGACGGATCACTC[G>A]GAACAGGGTAGGGGACACGAAATACTTTTCTATCAGCTCGGCAAGAAACATACCTATGAA-3'